The following is an entry in ClinVar:

NM_000138.5(FBN1):c.8223C>G (p.Ile2741Met)

Gene: FBN1 (fibrillin 1; minus strand). Cytogenetic location: 15q21.1.
Variant type: single nucleotide variant.
Coding change: c.8223C>G on transcript NM_000138.5 (MANE Select); coding-DNA position 8223, C replaced by G.
Protein change: p.Ile2741Met; replaces isoleucine 2741 with methionine.
Molecular consequence: missense variant.
Genome position (GRCh38, 1-based): chr15:48,412,572, G>C on the plus strand (C>G on the coding strand, the complement: FBN1 is on the minus strand). VCF-style: chr15-48412572-G-C. GRCh37 (hg19) VCF-style: chr15-48704769-G-C.
Other names: short protein forms I2741M.
Identifiers: ClinVar variation 993381 (VCV000993381.54), dbSNP rs150065311, ClinGen allele CA392320685.
Genomic context (GRCh38, chr15:48,412,572, plus strand): 5'-AATCTGGAAGGGCTTTCCACCACAGGAGACATCAGGAGAAACTAACTTCTGACCCACCTC[G>C]ATATTGGAGGCATCAGTTTCGTTTGTGCTTCTCCGTTTCCTGCCCCGTTTGGGGTAGCCA-3'
Protein context (NP_000129.3, residues 2731-2751): RSTNETDASN[Ile2741Met]EDQSETEANV

ClinVar aggregate classification (germline): Conflicting classifications of pathogenicity. Review status: criteria provided, conflicting classifications (1 of 4 stars). 2 submissions from 2 submitters: Uncertain significance (1); Likely benign (1). Last evaluated 2020-03-02.

Conditions:
Marfan syndrome (MFS). Also called: FBN1-Related Marfan Syndrome; MARFAN SYNDROME, TYPE I; Marfan syndrome type 1; Marfan's syndrome; Marfan syndrome, classic. Identifiers: Orphanet 284963, Orphanet 558, MedGen C0024796, MONDO:0007947, OMIM 154700.
Familial thoracic aortic aneurysm and aortic dissection (TAAD). Also called: Thoracic aortic aneurysms and dissections. Identifiers: Orphanet 91387, MedGen C4707243, MONDO:0019625.

Submissions (2):

Labcorp Genetics (formerly Invitae), Labcorp
Classification: Uncertain significance for Marfan syndrome; Familial thoracic aortic aneurysm and aortic dissection. Last evaluated: 2020-03-02. Review status: criteria provided, single submitter. Criteria: Invitae Variant Classification Sherloc (09022015). Collection method: clinical testing. Allele origin: germline.
Comment: This sequence change replaces isoleucine with methionine at codon 2741 of the FBN1 protein (p.Ile2741Met). The isoleucine residue is moderately conserved and there is a small physicochemical difference between isoleucine and methionine. This variant is not present in population databases (ExAC no frequency). This variant has not been reported in the literature in individuals with FBN1-related conditions. Algorithms developed to predict the effect of missense changes on protein structure and function are either unavailable or do not agree on the potential impact of this missense change (SIFT: "Deleterious"; PolyPhen-2: "Benign"; Align-GVGD: "Class C0"). In summary, the available evidence is currently insufficient to determine the role of this variant in disease. Therefore, it has been classified as a Variant of Uncertain Significance.

ARUP Laboratories, Molecular Genetics and Genomics, ARUP Laboratories
Classification: Likely benign. Last evaluated: 2019-11-11. Review status: criteria provided, single submitter. Criteria: ARUP Molecular Germline Variant Investigation Process. Collection method: clinical testing. Allele origin: germline.